The following is an entry in ClinVar:

ClinVar aggregate classification (germline): Uncertain significance (1 of 4 stars; one submission).

gnomAD v4.1: 13 of 1,614,026 alleles (0.00081%); highest among the groups gnomAD compares: African/African-American, 0.0027%; no homozygotes.

Submission:

GeneDx
Classification: Uncertain significance. Last evaluated: 2024-12-27. Review status: criteria provided, single submitter. Criteria: GeneDx Variant Classification Process June 2021. Collection method: clinical testing. Allele origin: germline. Affected: yes.
Comment: Not observed at significant frequency in large population cohorts (gnomAD); Has not been previously published as pathogenic or benign to our knowledge; In silico analysis suggests this variant may impact gene splicing. In the absence of RNA/functional studies, the actual effect of this sequence change is unknown.

NM_020376.4(PNPLA2):c.567C>T (p.Gly189=)

Gene: PNPLA2 (patatin like domain 2, triacylglycerol lipase; plus strand). Cytogenetic location: 11p15.5.
Variant type: single nucleotide variant.
Coding change: c.567C>T on transcript NM_020376.4 (MANE Select); coding-DNA position 567, C replaced by T.
Protein change: p.Gly189=; no amino-acid change (glycine 189 retained).
Molecular consequence: synonymous variant.
Genome position (GRCh38, 1-based): chr11:822,477, C>T. VCF-style: chr11-822477-C-T. GRCh37 (hg19) VCF-style: chr11-822477-C-T.
Identifiers: ClinVar variation 3907806 (VCV003907806.1).